The following is an entry in ClinVar:

ClinVar aggregate classification (germline): Likely pathogenic. Review status: criteria provided, multiple submitters, no conflicts (2 of 4 stars). 2 submissions from 2 submitters: Likely pathogenic (2). Last evaluated 2024-05-01.

Conditions:
Autosomal dominant hypophosphatemic rickets (ADHR). Also called: HYPOPHOSPHATEMIA, AUTOSOMAL DOMINANT; VITAMIN D-RESISTANT RICKETS, AUTOSOMAL DOMINANT. Identifiers: Orphanet 89937, MedGen C0342642, MONDO:0008660, OMIM 193100.

Submissions (2):

CeGaT Center for Human Genetics Tuebingen
Classification: Likely pathogenic. Last evaluated: 2024-05-01. Review status: criteria provided, single submitter. Criteria: CeGaT Center For Human Genetics Tuebingen Variant Classification Criteria Version 2. Collection method: clinical testing. Allele origin: germline. Affected: yes. Observed: 2 variant alleles.
Comment: FGF23: PM2, PM3, PM5, PS4:Supporting

Women's Health and Genetics/Laboratory Corporation of America, LabCorp
Classification: Likely pathogenic for Autosomal Dominant Hypophosphatemic Rickets. Last evaluated: 2011-08-18. Review status: criteria provided, single submitter. Criteria: LabCorp Variant Classification Summary - May 2015. Collection method: curation, clinical testing. Allele origin: germline. Inheritance: autosomal unknown. Affected: yes.
ClinVar note: Converted during submission from likely pathogenic to Likely pathogenic.

NM_020638.3(FGF23):c.162G>C (p.Gln54His)

Gene: FGF23 (fibroblast growth factor 23; minus strand). Cytogenetic location: 12p13.32.
Variant type: single nucleotide variant.
Coding change: c.162G>C on transcript NM_020638.3 (MANE Select); coding-DNA position 162, G replaced by C.
Protein change: p.Gln54His; replaces glutamine 54 with histidine.
Molecular consequence: missense variant.
Genome position (GRCh38, 1-based): chr12:4,379,421, C>G on the plus strand (G>C on the coding strand, the complement: FGF23 is on the minus strand). VCF-style: chr12-4379421-C-G. GRCh37 (hg19) VCF-style: chr12-4488587-C-G.
Other names: short protein forms Q54H.
Identifiers: ClinVar variation 36134 (VCV000036134.26), dbSNP rs193922701, ClinGen allele CA213692.